The following is an entry in ClinVar:

NM_001277313.2(FMN1):c.2044-2618G>A

Gene: FMN1 (formin 1; minus strand). Cytogenetic location: 15q13.3.
Variant type: single nucleotide variant.
Coding change: c.2044-2618G>A on transcript NM_001277313.2 (MANE Select); 2618 bases into the intron before coding-DNA position 2044, G replaced by A.
Molecular consequence: intron variant. On other transcripts: missense variant (1).
Genome position (GRCh38, 1-based): chr15:33,067,692, C>T on the plus strand (G>A on the coding strand, the complement: FMN1 is on the minus strand). VCF-style: chr15-33067692-C-T. GRCh37 (hg19) VCF-style: chr15-33359893-C-T.
Other names: c.193G>A (NM_001103184.3); c.193G>A, p.Val65Met (NM_001103184.4); short protein forms V65M.
Identifiers: ClinVar variation 2073271 (VCV002073271.6), dbSNP rs144513408, ClinGen allele CA7457417.
Genomic context (GRCh38, chr15:33,067,692, plus strand): 5'-ACCCTGCTTCCTGTGGATCCAAGCCATTGCTGGAATCATCCTGCTGAGATGTGGGATTCA[C>T]GTCTAAACTATGGAATGCTTTCAGCACAGCATCTTCCTCTTCTGGATTCACAGATTCTAA-3'

ClinVar aggregate classification (germline): Uncertain significance. Review status: criteria provided, single submitter (1 of 4 stars). 2 submissions from 2 submitters: Uncertain significance (1). 1 of the submissions does not count toward it. Last evaluated 2022-03-23.

Conditions:
FMN1-related disorder. Also called: FMN1-related condition.

Allele frequency attached by ClinVar (database versions not stated): 1000 Genomes Project 0.00140; 1000 Genomes Project 30x 0.00156; ESP Exome Variant Server 0.00041.
gnomAD v4.1: 203 of 1,613,998 alleles (0.013%); highest among the groups gnomAD compares: African/African-American, 0.18%; no homozygotes.

Submissions (2):

Labcorp Genetics (formerly Invitae), Labcorp
Classification: Uncertain significance. Last evaluated: 2022-03-23. Review status: criteria provided, single submitter. Criteria: Invitae Variant Classification Sherloc (09022015). Collection method: clinical testing. Allele origin: germline.
Comment: This sequence change replaces valine, which is neutral and non-polar, with methionine, which is neutral and non-polar, at codon 65 of the FMN1 protein (p.Val65Met). This variant is present in population databases (rs144513408, gnomAD 0.2%), and has an allele count higher than expected for a pathogenic variant. This variant has not been reported in the literature in individuals affected with FMN1-related conditions. Algorithms developed to predict the effect of missense changes on protein structure and function are either unavailable or do not agree on the potential impact of this missense change (SIFT: "Tolerated"; PolyPhen-2: "Not Available"; Align-GVGD: "Class C0"). In summary, the available evidence is currently insufficient to determine the role of this variant in disease. Therefore, it has been classified as a Variant of Uncertain Significance.

PreventionGenetics, part of Exact Sciences
Classification: Likely benign for FMN1-related condition. Last evaluated: 2023-02-17. Review status: no assertion criteria provided. Collection method: clinical testing. Allele origin: germline. Not counted in ClinVar's aggregate classification.
Comment: This variant is classified as likely benign based on ACMG/AMP sequence variant interpretation guidelines (Richards et al. 2015 PMID: 25741868, with internal and published modifications).